The following is an entry in ClinVar:

NM_025132.4(WDR19):c.2691C>G (p.Ile897Met)

Gene: WDR19 (WD repeat domain 19; plus strand). Cytogenetic location: 4p14.
Variant type: single nucleotide variant.
Coding change: c.2691C>G on transcript NM_025132.4 (MANE Select); coding-DNA position 2691, C replaced by G.
Protein change: p.Ile897Met; replaces isoleucine 897 with methionine.
Molecular consequence: missense variant.
Genome position (GRCh38, 1-based): chr4:39,245,414, C>G. VCF-style: chr4-39245414-C-G. GRCh37 (hg19) VCF-style: chr4-39247034-C-G.
Other names: c.2211C>G, p.Ile737Met (NM_001317924.2); short protein forms I737M, I897M.
Identifiers: ClinVar variation 2166846 (VCV002166846.4), dbSNP rs762413629, ClinGen allele CA2892160.

ClinVar aggregate classification (germline): Uncertain significance. Review status: criteria provided, multiple submitters, no conflicts (2 of 4 stars). 2 submissions from 2 submitters: Uncertain significance (2). Last evaluated 2024-12-16.

Conditions:
Asphyxiating thoracic dystrophy 5 (SRTD5). Also called: SHORT-RIB THORACIC DYSPLASIA 5 WITH OR WITHOUT POLYDACTYLY; SHORT-RIB THORACIC DYSPLASIA 5 WITHOUT POLYDACTYLY. Identifiers: Orphanet 474, MedGen C3280598, MONDO:0013717, OMIM 614376.
Senior-Loken syndrome 8 (SLSN8). Identifiers: Orphanet 3156, MedGen C4225376, MONDO:0014579, OMIM 616307.
Cranioectodermal dysplasia 4 (CED4). Identifiers: Orphanet 1515, MedGen C3280616, MONDO:0013719, OMIM 614378.
Nephronophthisis 13 (NPHP13). Identifiers: Orphanet 655, MedGen C3280612, MONDO:0013718, OMIM 614377.
Spermatogenic failure 72 (SPGF72). Identifiers: MedGen C5676980, MONDO:0030809, OMIM 619867.

Allele frequency attached by ClinVar (database versions not stated): TOPMed below 0.00001.
gnomAD v4.1: 7 of 1,613,790 alleles (0.00043%); highest among the groups gnomAD compares: Admixed American, 0.01%; no homozygotes.

Submissions (2):

Labcorp Genetics (formerly Invitae), Labcorp
Classification: Uncertain significance for Senior-Loken syndrome 8; Asphyxiating thoracic dystrophy 5. Last evaluated: 2024-12-16. Review status: criteria provided, single submitter. Criteria: Invitae Variant Classification Sherloc (09022015). Collection method: clinical testing. Allele origin: germline.
Comment: This sequence change replaces isoleucine, which is neutral and non-polar, with methionine, which is neutral and non-polar, at codon 897 of the WDR19 protein (p.Ile897Met). This variant is present in population databases (rs762413629, gnomAD 0.02%). This variant has not been reported in the literature in individuals affected with WDR19-related conditions. ClinVar contains an entry for this variant (Variation ID: 2166846). Invitae Evidence Modeling of protein sequence and biophysical properties (such as structural, functional, and spatial information, amino acid conservation, physicochemical variation, residue mobility, and thermodynamic stability) indicates that this missense variant is not expected to disrupt WDR19 protein function with a negative predictive value of 80%. In summary, the available evidence is currently insufficient to determine the role of this variant in disease. Therefore, it has been classified as a Variant of Uncertain Significance.

Fulgent Genetics
Classification: Uncertain significance for Asphyxiating thoracic dystrophy 5; Nephronophthisis 13; Cranioectodermal dysplasia 4; Senior-Loken syndrome 8; Spermatogenic failure 72. Last evaluated: 2024-05-28. Review status: criteria provided, single submitter. Criteria: ACMG Guidelines, 2015. Collection method: clinical testing. Allele origin: germline.